The following is an entry in ClinVar:

ClinVar aggregate classification (germline): Uncertain significance (1 of 4 stars; one submission).

gnomAD v4.1: 5 of 1,551,134 alleles (0.00032%); highest among the groups gnomAD compares: Middle Eastern, 0.017%; no homozygotes.

Submission:

Labcorp Genetics (formerly Invitae), Labcorp
Classification: Uncertain significance. Last evaluated: 2022-05-18. Review status: criteria provided, single submitter. Criteria: Invitae Variant Classification Sherloc (09022015). Collection method: clinical testing. Allele origin: germline.
Comment: This sequence change replaces valine, which is neutral and non-polar, with leucine, which is neutral and non-polar, at codon 2804 of the EYS protein (p.Val2804Leu). This variant is present in population databases (no rsID available, gnomAD 0.004%). This missense change has been observed in individual(s) with retinal dystrophy (Invitae). In at least one individual the data is consistent with being in trans (on the opposite chromosome) from a pathogenic variant. Algorithms developed to predict the effect of missense changes on protein structure and function output the following: SIFT: "Tolerated"; PolyPhen-2: "Benign"; Align-GVGD: "Class C0". The leucine amino acid residue is found in multiple mammalian species, which suggests that this missense change does not adversely affect protein function. In summary, the available evidence is currently insufficient to determine the role of this variant in disease. Therefore, it has been classified as a Variant of Uncertain Significance.

NM_001142800.2(EYS):c.8410G>T (p.Val2804Leu)

Genes: EYS (eyes shut homolog; minus strand), PHF3 (PHD finger protein 3; plus strand). Cytogenetic location: 6q12.
Variant type: single nucleotide variant.
Coding change: c.8410G>T on transcript NM_001142800.2 (MANE Select); coding-DNA position 8410, G replaced by T.
Protein change: p.Val2804Leu; replaces valine 2804 with leucine.
Molecular consequence: missense variant. On other transcripts: 3 prime UTR variant (5).
Genome position (GRCh38, 1-based): chr6:63,721,621, C>A on the plus strand (G>T on the coding strand, the complement: EYS is on the minus strand). VCF-style: chr6-63721621-C-A. GRCh37 (hg19) VCF-style: chr6-64431517-C-A.
Other names: c.*7913C>A (NM_001290259.2, NM_001370348.2, NM_001370349.2 and 2 more transcripts); c.8473G>T, p.Val2825Leu (NM_001292009.2); short protein forms V2804L, V2825L.
Identifiers: ClinVar variation 2161564 (VCV002161564.1), dbSNP rs1186708771, ClinGen allele CA364384952.